The following is an entry in ClinVar:

ClinVar aggregate classification (germline): Uncertain significance (1 of 4 stars; one submission).

Conditions:
Dilated cardiomyopathy 1DD (CMD1DD). Identifiers: Orphanet 154, MedGen C2750995, MONDO:0013168, OMIM 613172.

Submission:

Labcorp Genetics (formerly Invitae), Labcorp
Classification: Uncertain significance for Dilated cardiomyopathy 1DD. Last evaluated: 2023-09-29. Review status: criteria provided, single submitter. Criteria: Invitae Variant Classification Sherloc (09022015). Collection method: clinical testing. Allele origin: unknown.
Comment: In summary, the available evidence is currently insufficient to determine the role of this variant in disease. Therefore, it has been classified as a Variant of Uncertain Significance. This variant has not been reported in the literature in individuals affected with RBM20-related conditions. This variant is a gross deletion of the genomic region encompassing exon(s) 10-12 of the RBM20 gene. This deletion is out-of-frame, and is expected to create a premature translational stop signal and result in an absent or disrupted protein product. However, the current clinical and genetic evidence is not sufficient to establish whether loss-of-function variants in RBM20 cause disease.

NC_000010.10:g.(?_112579810)_(112583392_?)del

Gene: RBM20 (RNA binding motif protein 20; plus strand). Cytogenetic location: 10q25.2.
Variant type: Deletion.
Identifiers: ClinVar variation 3244895 (VCV003244895.1).